The following is an entry in ClinVar:

NM_003907.3(EIF2B5):c.1484A>G (p.Tyr495Cys)

Gene: EIF2B5 (eukaryotic translation initiation factor 2B subunit epsilon; plus strand). Cytogenetic location: 3q27.1.
Variant type: single nucleotide variant.
Coding change: c.1484A>G on transcript NM_003907.3 (MANE Select); coding-DNA position 1484, A replaced by G.
Protein change: p.Tyr495Cys; replaces tyrosine 495 with cysteine.
Molecular consequence: missense variant.
Genome position (GRCh38, 1-based): chr3:184,142,541, A>G. VCF-style: chr3-184142541-A-G. GRCh37 (hg19) VCF-style: chr3-183860329-A-G.
Other names: c.1484A>G (NM_003907.2); short protein forms Y495C.
Identifiers: ClinVar variation 1701797 (VCV001701797.6), dbSNP rs113994082, ClinGen allele CA2726709.
Genomic context (GRCh38, chr3:184,142,541, plus strand): 5'-ATAGATCATTGCCTTTTCCAGGTTACAATCCAGCAGAAGTAGGAGCTGCTGGCAAGGGCT[A>G]CCTCTGGAAAGCTGCAGGCATGAACATGGAGGAAGAGGAGGAACTGCAGCAGAATCTGTG-3'
Protein context (NP_003898.2, residues 485-505): PAEVGAAGKG[Tyr495Cys]LWKAAGMNME

ClinVar aggregate classification (germline): Likely pathogenic. Review status: criteria provided, multiple submitters, no conflicts (2 of 4 stars). 2 submissions from 2 submitters: Likely pathogenic (2). Last evaluated 2025-01-22.

Conditions:
Vanishing white matter disease. Also called: CACH syndrome; Childhood ataxia with diffuse central nervous system hypomyelination; Leukoencephalopathy with vanishing white matter; CACH/VWM syndrome; Cree leukoencehalopathy. Identifiers: Orphanet 135, Orphanet 99853, MedGen C1858991, MONDO:0800448.
Ovarioleukodystrophy. Also called: Vanishing white matter leukodystrophy with ovarian failure. Identifiers: Orphanet 99853, MedGen C1847967, MONDO:0020506.
EIF2B5-related disorders.

Allele frequency attached by ClinVar (database versions not stated): gnomAD exomes below 0.00001 and 0.00001; TOPMed below 0.00001; ExAC 0.00001.
gnomAD v4.1: 5 of 1,614,104 alleles (0.00031%); highest among the groups gnomAD compares: Non-Finnish European, 0.00034%; no homozygotes.

Submissions (2):

Natera, Inc.
Classification: Likely pathogenic for Leukoencephalopathy with vanishing white matter. Last evaluated: 2025-01-22. Review status: criteria provided, single submitter. Criteria: Natera Variant Classification Schema (03/2026). Collection method: clinical testing. Allele origin: germline.
Comment: The c.1484A>G variant in EIF2B5 is a missense variant predicted to cause substitution of tyrosine to cysteine at amino acid 495. This variant is rare in the general population with a frequency below the threshold expected for the associated phenotype(s). This variant has been observed in one or more individuals affected with the associated recessive disease, as either homozygous or compound heterozygous with a second variant (PMID: 14566705, 27779215, 34745209). Functional studies show that this variant may disrupt protein function (PMID: 21560189). Computational prediction algorithms indicate this variant is likely to affect gene or protein function. Given the available evidence, this variant is classified as Likely Pathogenic.

Blueprint Genetics
Classification: Likely pathogenic for EIF2B5-related disorders. Last evaluated: 2023-03-08. Review status: criteria provided, single submitter. Criteria: ACMG Guidelines, 2015. Collection method: clinical testing. Allele origin: germline. Affected: yes. Observed: 1 variant allele.

Literature cited by the submitters: PubMed 14566705 (cited by Natera, Inc.); PubMed 27779215 (cited by Natera, Inc.); PubMed 34745209 (cited by Natera, Inc.); PubMed 21560189 (cited by Natera, Inc.).